The following is an entry in ClinVar:

NM_001122769.3(LCA5):c.487C>T (p.Arg163Cys)

Gene: LCA5 (lebercilin LCA5; minus strand). Cytogenetic location: 6q14.1.
Variant type: single nucleotide variant.
Coding change: c.487C>T on transcript NM_001122769.3 (MANE Select); coding-DNA position 487, C replaced by T.
Protein change: p.Arg163Cys; replaces arginine 163 with cysteine.
Molecular consequence: missense variant.
Genome position (GRCh38, 1-based): chr6:79,513,445, G>A on the plus strand (C>T on the coding strand, the complement: LCA5 is on the minus strand). VCF-style: chr6-79513445-G-A. GRCh37 (hg19) VCF-style: chr6-80223162-G-A.
Other names: c.487C>T, p.Arg163Cys (NM_181714.4); short protein forms R163C.
Identifiers: ClinVar variation 1509372 (VCV001509372.5), dbSNP rs568193819, ClinGen allele CA3901113.
Genomic context (GRCh38, chr6:79,513,445, plus strand): 5'-GTTCTTTCTCTTGAGATTTTCTTAAGCGTTCTTTGAGTGCTGTAATCTCATTGTTATGAC[G>A]AAATATAAGTTGTGAGATTTCATTTTCGGCATCTTCAAACTTATTCAGGGCTTTCTCCTG-3'
Protein context (NP_001116241.1, residues 153-173): AENEISQLIF[Arg163Cys]HNNEITALKE

ClinVar aggregate classification (germline): Uncertain significance. Review status: criteria provided, multiple submitters, no conflicts (2 of 4 stars). 2 submissions from 2 submitters: Uncertain significance (2). Last evaluated 2024-10-25.

Allele frequency attached by ClinVar (database versions not stated): gnomAD 0.00001 and 0.00002; TOPMed 0.00001; gnomAD exomes 0.00004; ExAC 0.00005; 1000 Genomes Project 30x 0.00016; 1000 Genomes Project 0.00020.

Submissions (2):

Labcorp Genetics (formerly Invitae), Labcorp
Classification: Uncertain significance. Last evaluated: 2024-10-25. Review status: criteria provided, single submitter. Criteria: Invitae Variant Classification Sherloc (09022015). Collection method: clinical testing. Allele origin: germline.
Comment: This sequence change replaces arginine, which is basic and polar, with cysteine, which is neutral and slightly polar, at codon 163 of the LCA5 protein (p.Arg163Cys). This variant is present in population databases (rs568193819, gnomAD 0.02%). This variant has not been reported in the literature in individuals affected with LCA5-related conditions. ClinVar contains an entry for this variant (Variation ID: 1509372). Invitae Evidence Modeling of protein sequence and biophysical properties (such as structural, functional, and spatial information, amino acid conservation, physicochemical variation, residue mobility, and thermodynamic stability) indicates that this missense variant is expected to disrupt LCA5 protein function with a positive predictive value of 80%. In summary, the available evidence is currently insufficient to determine the role of this variant in disease. Therefore, it has been classified as a Variant of Uncertain Significance.

Blueprint Genetics
Classification: Uncertain significance. Last evaluated: 2020-10-30. Review status: criteria provided, single submitter. Criteria: ACMG Guidelines, 2015. Collection method: clinical testing. Allele origin: germline.